The following is an entry in ClinVar:

NM_014795.4(ZEB2):c.2365T>C (p.Ser789Pro)

Gene: ZEB2 (zinc finger E-box binding homeobox 2; minus strand). Cytogenetic location: 2q22.3.
Variant type: single nucleotide variant.
Coding change: c.2365T>C on transcript NM_014795.4 (MANE Select); coding-DNA position 2365, T replaced by C.
Protein change: p.Ser789Pro; replaces serine 789 with proline.
Molecular consequence: missense variant.
Genome position (GRCh38, 1-based): chr2:144,398,822, A>G on the plus strand (T>C on the coding strand, the complement: ZEB2 is on the minus strand). VCF-style: chr2-144398822-A-G. GRCh37 (hg19) VCF-style: chr2-145156389-A-G.
Other names: p.S789P:TCC>CCC; c.2293T>C, p.Ser765Pro (NM_001171653.2); short protein forms S789P, S765P.
Identifiers: ClinVar variation 181739 (VCV000181739.13), dbSNP rs730881197, ClinGen allele CA297607.
Genomic context (GRCh38, chr2:144,398,822, plus strand): 5'-CAGAAGAGAAGCTGTTTGGAGTGTATGAACTACTGTGGGAGTTTTTAGAAGATGTGGAGG[A>G]AAGATTTAAGGGAGAAGGAGTATTACTCCTGGAGTGGTCCAATTTTTCAACTGGTTTAAT-3'
Protein context (NP_055610.1, residues 779-799): RSNTPSPLNL[Ser789Pro]STSSKNSHSS

ClinVar aggregate classification (germline): Conflicting classifications of pathogenicity. Review status: criteria provided, conflicting classifications (1 of 4 stars). 3 submissions from 3 submitters: Uncertain significance (2); Likely benign (1). Last evaluated 2021-07-14.

Conditions:
Mowat-Wilson syndrome (MOWS). Also called: Classic Mowat-Wilson Syndrome. Identifiers: Orphanet 2152, MedGen C1856113, MONDO:0009341, OMIM 235730.

Allele frequency attached by ClinVar (database versions not stated): gnomAD exomes below 0.00001 and 0.00001; TOPMed below 0.00001; ExAC 0.00001; gnomAD 0.00001.
gnomAD v4.1: 3 of 1,613,924 alleles (0.00019%); highest among the groups gnomAD compares: Non-Finnish European, 0.00025%; no homozygotes.

Submissions (3):

Labcorp Genetics (formerly Invitae), Labcorp
Classification: Uncertain significance for Mowat-Wilson syndrome. Last evaluated: 2021-07-14. Review status: criteria provided, single submitter. Criteria: Invitae Variant Classification Sherloc (09022015). Collection method: clinical testing. Allele origin: germline.
Comment: This sequence change replaces serine with proline at codon 789 of the ZEB2 protein (p.Ser789Pro). The serine residue is highly conserved and there is a moderate physicochemical difference between serine and proline. This variant is present in population databases (rs730881197, ExAC 0.001%). This variant has not been reported in the literature in individuals affected with ZEB2-related conditions. ClinVar contains an entry for this variant (Variation ID: 181739). Algorithms developed to predict the effect of missense changes on protein structure and function are either unavailable or do not agree on the potential impact of this missense change (SIFT: "Deleterious"; PolyPhen-2: "Possibly Damaging"; Align-GVGD: "Class C15"). In summary, the available evidence is currently insufficient to determine the role of this variant in disease. Therefore, it has been classified as a Variant of Uncertain Significance.

Genetic Services Laboratory, University of Chicago
Classification: Likely benign. Last evaluated: 2017-11-15. Review status: criteria provided, single submitter. Criteria: ACMG Guidelines, 2015. Collection method: clinical testing. Allele origin: germline. Affected: no.

GeneDx
Classification: Uncertain significance. Last evaluated: 2014-05-22. Review status: criteria provided, single submitter. Criteria: GeneDx Variant Classification (06012015). Collection method: clinical testing. Allele origin: germline. Affected: yes.
Comment: This variant is denoted p.Ser789Pro at the protein level, c.2365 T>C at the cDNA level, and results in a change of a Serine for a Proline (TCC>CCC) in exon 8 of the ZEB2 gene (NM_014795.3). The S789P variant has not been published as a mutation, nor has it been reported as a benign polymorphism to our knowledge. It was not observed in approximately 6,500 individuals of European and African American ancestry in the NHLBI Exome Sequencing Project, indicating it is not a common benign variant in these populations. The S789P variant is a non-conservative amino acid substitution, which is likely to impact secondary protein structure as these residues differ in polarity, charge, size and/or other properties. This substitution occurs at a position that is conserved across species. In silico analysis predicts this variant is probably damaging to the protein structure/function. However, missense mutations in the ZEB2 gene are rare and have been identified in less than 2% of patients with Mowat-Wilson syndrome (Garavelli et al., 2009). Therefore, based on the currently available information, it is unclear whether this variant is a pathogenic mutation or a rare benign variant. The variant is found in RETT-EPI panel(s).